The following is an entry in ClinVar:

NM_000179.3(MSH6):c.901_902del (p.Lys301fs)

Gene: MSH6 (mutS homolog 6; plus strand). Cytogenetic location: 2p16.3.
Variant type: Deletion.
Coding change: c.901_902del on transcript NM_000179.3 (MANE Select); coding-DNA positions 901 to 902, 2 bases deleted (AA; older notation c.901_902delAA).
Protein change: p.Lys301fs; shifts the reading frame from lysine 301.
Molecular consequence: frameshift variant. On other transcripts: 5 prime UTR variant (9), non-coding transcript variant (4), intron variant (1).
Genome position (GRCh38, 1-based): chr2:47,798,884-47,798,885, AA deleted. VCF-style (leftmost placement, unchanged base first): chr2-47798883-GAA-G. GRCh37 (hg19) VCF-style: chr2-48026022-GAA-G.
Other names: c.511_512del, p.Lys171fs (NM_001281492.2); c.-6_-5del (NM_001281493.2, NM_001281494.2, NM_001406811.1 and 6 more transcripts); c.997_998del, p.Lys333fs (NM_001406795.1, NM_001406802.1); c.901_902del, p.Lys301fs (NM_001406796.1, NM_001406798.1, NM_001406800.1 and 4 more transcripts); c.604_605del, p.Lys202fs (NM_001406797.1, NM_001406801.1, NM_001406805.1 and 10 more transcripts); c.376_377del, p.Lys126fs (NM_001406799.1, NM_001406806.1, NM_001406807.1); c.823_824del, p.Lys275fs (NM_001406804.1); c.907_908del, p.Lys303fs (NM_001406813.1); and 2 more; short protein forms K126fs, K171fs, K202fs, K245fs, K275fs, K301fs, K303fs, K333fs.
Identifiers: ClinVar variation 2673669 (VCV002673669.1), dbSNP rs2530577104, ClinGen allele CA2695200514.
Genomic context (GRCh38, chr2:47,798,883, plus strand): 5'-TGGAGTGGGGGATAGTGAGAGTGAAGGCCTGAACAGCCCTGTCAAAGTTGCTCGAAAGCG[GAA>G]GAGAATGGTGACTGGAAATGGCTCTCTTAAAAGGAAAAGCTCTAGGAAGGAAACGCCCTC-3'

ClinVar aggregate classification (germline): Pathogenic (1 of 4 stars; one submission).

Conditions:
Lynch syndrome 5 (LYNCH5). Also called: Colorectal cancer, hereditary nonpolyposis, type 5; Hereditary non-polyposis colorectal cancer, type 5. Identifiers: Orphanet 144, MedGen C1833477, MONDO:0013710, OMIM 614350. Disease mechanism: loss of function.

Submission:

Myriad Genetics, Inc.
Classification: Pathogenic for Lynch syndrome 5. Last evaluated: 2023-08-11. Review status: criteria provided, single submitter. Criteria: Myriad Autosomal Dominant, Autosomal Recessive and X-Linked Classification Criteria (2023). Collection method: clinical testing. Allele origin: unknown.
Comment: This variant is considered pathogenic. This variant creates a frameshift predicted to result in premature protein truncation.